The following is an entry in ClinVar:

NM_005476.7(GNE):c.172T>C (p.Tyr58His)

Gene: GNE (glucosamine (UDP-N-acetyl)-2-epimerase/N-acetylmannosamine kinase; minus strand). Cytogenetic location: 9p13.3.
Variant type: single nucleotide variant.
Coding change: c.172T>C on transcript NM_005476.7 (MANE Select); coding-DNA position 172, T replaced by C.
Protein change: p.Tyr58His; replaces tyrosine 58 with histidine.
Molecular consequence: missense variant. On other transcripts: 5 prime UTR variant (3).
Genome position (GRCh38, 1-based): chr9:36,246,475, A>G on the plus strand (T>C on the coding strand, the complement: GNE is on the minus strand). VCF-style: chr9-36246475-A-G. GRCh37 (hg19) VCF-style: chr9-36246472-A-G.
Other names: c.265T>C, p.Tyr89His (NM_001128227.3); c.172T>C, p.Tyr58His (NM_001190383.3, NM_001374797.1); c.-6T>C (NM_001190384.3, NM_001190388.2, NM_001374798.1); short protein forms Y58H, Y89H.
Identifiers: ClinVar variation 2927638 (VCV002927638.4), dbSNP rs1829880192, ClinGen allele CA373420000.

ClinVar aggregate classification (germline): Uncertain significance. Review status: criteria provided, multiple submitters, no conflicts (2 of 4 stars). 2 submissions from 2 submitters: Uncertain significance (2). Last evaluated 2023-11-04.

Conditions:
GNE myopathy (NM). Also called: IBM 2; Inclusion body myopathy autosomal recessive; Inclusion body myopathy quadriceps sparing; INCLUSION BODY MYOPATHY, HEREDITARY, AUTOSOMAL RECESSIVE; INCLUSION BODY MYOPATHY 2, AUTOSOMAL RECESSIVE; MYOPATHY, DISTAL, WITH OR WITHOUT RIMMED VACUOLES. Identifiers: Orphanet 602, MedGen C1853926, MONDO:0011603, OMIM 605820.
Sialuria. Also called: Sialic Acid Storage Disease; SIALURIA, FRENCH TYPE. Identifiers: Orphanet 3166, MedGen C0342853, MONDO:0010028, OMIM 269921.

Allele frequency attached by ClinVar (database versions not stated): gnomAD exomes below 0.00001.
gnomAD v4.1: 1 of 1,610,628 alleles (0.000062%); highest among the groups gnomAD compares: Non-Finnish European, 0.000085%; no homozygotes.

Submissions (2):

Labcorp Genetics (formerly Invitae), Labcorp
Classification: Uncertain significance for Sialuria; GNE myopathy. Last evaluated: 2023-11-04. Review status: criteria provided, single submitter. Criteria: Invitae Variant Classification Sherloc (09022015). Collection method: clinical testing. Allele origin: germline.
Comment: This sequence change replaces tyrosine, which is neutral and polar, with histidine, which is basic and polar, at codon 89 of the GNE protein (p.Tyr89His). This variant is not present in population databases (gnomAD no frequency). This variant has not been reported in the literature in individuals affected with GNE-related conditions. Advanced modeling of protein sequence and biophysical properties (such as structural, functional, and spatial information, amino acid conservation, physicochemical variation, residue mobility, and thermodynamic stability) has been performed at Invitae for this missense variant, however the output from this modeling did not meet the statistical confidence thresholds required to predict the impact of this variant on GNE protein function. In summary, the available evidence is currently insufficient to determine the role of this variant in disease. Therefore, it has been classified as a Variant of Uncertain Significance.

Blueprint Genetics
Classification: Uncertain significance. Last evaluated: 2022-07-21. Review status: criteria provided, single submitter. Criteria: ACMG Guidelines, 2015. Collection method: clinical testing. Allele origin: germline.